The following is an entry in ClinVar:

NM_170606.3(KMT2C):c.4592C>T (p.Ala1531Val)

Gene: KMT2C (lysine methyltransferase 2C; minus strand). Cytogenetic location: 7q36.1.
Variant type: single nucleotide variant.
Coding change: c.4592C>T on transcript NM_170606.3 (MANE Select); coding-DNA position 4592, C replaced by T.
Protein change: p.Ala1531Val; replaces alanine 1531 with valine.
Molecular consequence: missense variant.
Genome position (GRCh38, 1-based): chr7:152,194,077, G>A on the plus strand (C>T on the coding strand, the complement: KMT2C is on the minus strand). VCF-style: chr7-152194077-G-A. GRCh37 (hg19) VCF-style: chr7-151891162-G-A.
Other names: c.4592C>T (NM_170606.2); short protein forms A1531V.
Identifiers: ClinVar variation 134750 (VCV000134750.6), dbSNP rs587778491, ClinGen allele CA160671.

ClinVar aggregate classification (germline): Conflicting classifications of pathogenicity. Review status: criteria provided, conflicting classifications (1 of 4 stars). 3 submissions from 3 submitters: Uncertain significance (1); Likely benign (1). 1 of the submissions does not count toward it. Last evaluated 2023-07-08.

Conditions:
Inborn genetic diseases. Identifiers: MedGen C0950123, MeSH D030342.

Allele frequency attached by ClinVar (database versions not stated): gnomAD 0.00001; gnomAD exomes 0.00001; ExAC 0.00002; TOPMed 0.00002.
gnomAD v4.1: 11 of 1,593,674 alleles (0.00069%); highest among the groups gnomAD compares: Admixed American, 0.0037%; no homozygotes.

Submissions (3):

Labcorp Genetics (formerly Invitae), Labcorp
Classification: Likely benign. Last evaluated: 2023-07-08. Review status: criteria provided, single submitter. Criteria: Invitae Variant Classification Sherloc (09022015). Collection method: clinical testing. Allele origin: germline.

Ambry Genetics
Classification: Uncertain significance for Inborn genetic diseases. Last evaluated: 2021-04-17. Review status: criteria provided, single submitter. Criteria: Ambry Variant Classification Scheme 2023. Collection method: clinical testing. Allele origin: germline.

ITMI
No classification provided. Condition: AllHighlyPenetrant. Last evaluated: 2013-09-19. Review status: no classification provided. Collection method: reference population. Allele origin: germline. Not counted in ClinVar's aggregate classification.
Comment: Please see associated publication for description of ethnicities

Literature cited by the submitters: PubMed 24728327 (cited by ITMI).